The following is an entry in ClinVar:

NC_000012.11:g.(?_8975248)_(8991838_?)del

Gene: A2ML1 (alpha-2-macroglobulin like 1; plus strand). Cytogenetic location: 12p13.31.
Variant type: Deletion.
Identifiers: ClinVar variation 2427301 (VCV002427301.4).

ClinVar aggregate classification (germline): Uncertain significance (1 of 4 stars; one submission).

Submission:

Labcorp Genetics (formerly Invitae), Labcorp
Classification: Uncertain significance. Last evaluated: 2023-03-31. Review status: criteria provided, single submitter. Criteria: Invitae Variant Classification Sherloc (09022015). Collection method: clinical testing. Allele origin: germline.
Comment: In summary, the available evidence is currently insufficient to determine the role of this variant in disease. Therefore, it has been classified as a Variant of Uncertain Significance. Experimental studies and prediction algorithms are not available or were not evaluated, and the functional significance of this variant is currently unknown. This variant has not been reported in the literature in individuals affected with A2ML1-related conditions. This variant is a gross deletion of the genomic region encompassing exon(s) 1-10 of the A2ML1 gene, which includes the initiator codon. This deletion extends beyond the assayed region for this gene and therefore may encompass additional genes. It is expected to result in an absent or disrupted protein product. However, the current clinical and genetic evidence is not sufficient to establish whether loss-of-function variants in A2ML1 cause disease.